The following is an entry in ClinVar:

NM_003079.5(SMARCE1):c.995A>C (p.Lys332Thr)

Gene: SMARCE1 (SWI/SNF related BAF chromatin remodeling complex subunit E1; minus strand). Cytogenetic location: 17q21.2.
Variant type: single nucleotide variant.
Coding change: c.995A>C on transcript NM_003079.5 (MANE Select); coding-DNA position 995, A replaced by C.
Protein change: p.Lys332Thr; replaces lysine 332 with threonine.
Molecular consequence: missense variant.
Genome position (GRCh38, 1-based): chr17:40,630,746, T>G on the plus strand (A>C on the coding strand, the complement: SMARCE1 is on the minus strand). VCF-style: chr17-40630746-T-G. GRCh37 (hg19) VCF-style: chr17-38786998-T-G.
Other names: short protein forms K332T.
Identifiers: ClinVar variation 1419213 (VCV001419213.11), dbSNP rs766656583, ClinGen allele CA8545122.

ClinVar aggregate classification (germline): Conflicting classifications of pathogenicity. Review status: criteria provided, conflicting classifications (1 of 4 stars). 2 submissions from 2 submitters: Uncertain significance (1); Likely benign (1). Last evaluated 2025-12-20.

Conditions:
Hereditary cancer-predisposing syndrome. Also called: Neoplastic Syndromes, Hereditary; Hereditary Cancer Syndrome; Hereditary neoplastic syndrome; Tumor predisposition. Identifiers: Orphanet 140162, MedGen C0027672, MeSH D009386, MONDO:0015356.
Familial meningioma. Also called: Meningioma, familial, susceptibility to. Identifiers: Orphanet 263662, MedGen C3551915, MONDO:0011789, OMIM 607174.

Allele frequency attached by ClinVar (database versions not stated): gnomAD exomes below 0.00001; ExAC 0.00001.
gnomAD v4.1: 1 of 1,614,154 alleles (0.000062%); highest among the groups gnomAD compares: East Asian, 0.0022%; no homozygotes.

Submissions (2):

Labcorp Genetics (formerly Invitae), Labcorp
Classification: Uncertain significance for Familial meningioma. Last evaluated: 2025-12-20. Review status: criteria provided, single submitter. Criteria: Invitae Variant Classification Sherloc (09022015). Collection method: clinical testing. Allele origin: germline.
Comment: This sequence change replaces lysine, which is basic and polar, with threonine, which is neutral and polar, at codon 332 of the SMARCE1 protein (p.Lys332Thr). This variant is present in population databases (rs766656583, gnomAD 0.006%). This variant has not been reported in the literature in individuals affected with SMARCE1-related conditions. ClinVar contains an entry for this variant (Variation ID: 1419213). Invitae Evidence Modeling of protein sequence and biophysical properties (such as structural, functional, and spatial information, amino acid conservation, physicochemical variation, residue mobility, and thermodynamic stability) indicates that this missense variant is not expected to disrupt SMARCE1 protein function with a negative predictive value of 80%. In summary, the available evidence is currently insufficient to determine the role of this variant in disease. Therefore, it has been classified as a Variant of Uncertain Significance.

Ambry Genetics
Classification: Likely benign for Hereditary cancer-predisposing syndrome. Last evaluated: 2025-03-24. Review status: criteria provided, single submitter. Criteria: Ambry Variant Classification Scheme 2023. Collection method: clinical testing. Allele origin: germline.